The following is an entry in ClinVar:

ClinVar aggregate classification (germline): Uncertain significance. Review status: criteria provided, multiple submitters, no conflicts (2 of 4 stars). 2 submissions from 2 submitters: Uncertain significance (2). Last evaluated 2025-11-16.

Conditions:
Inborn genetic diseases. Identifiers: MedGen C0950123, MeSH D030342.

gnomAD v4.1: 18 of 1,613,868 alleles (0.0011%); highest among the groups gnomAD compares: East Asian, 0.0022%; no homozygotes.

Submissions (2):

Labcorp Genetics (formerly Invitae), Labcorp
Classification: Uncertain significance. Last evaluated: 2025-11-16. Review status: criteria provided, single submitter. Criteria: Invitae Variant Classification Sherloc (09022015). Collection method: clinical testing. Allele origin: germline.
Comment: This sequence change replaces valine, which is neutral and non-polar, with methionine, which is neutral and non-polar, at codon 694 of the EPAS1 protein (p.Val694Met). This variant is present in population databases (no rsID available, gnomAD 0.003%). This variant has not been reported in the literature in individuals affected with EPAS1-related conditions. ClinVar contains an entry for this variant (Variation ID: 3611402). An algorithm developed to predict the effect of missense changes on protein structure and function outputs the following: PolyPhen-2: "Benign". The methionine amino acid residue is found in multiple mammalian species, which suggests that this missense change does not adversely affect protein function. In summary, the available evidence is currently insufficient to determine the role of this variant in disease. Therefore, it has been classified as a Variant of Uncertain Significance.

Ambry Genetics
Classification: Uncertain significance for Inborn genetic diseases. Last evaluated: 2025-11-05. Review status: criteria provided, single submitter. Criteria: Ambry Variant Classification Scheme 2023. Collection method: clinical testing. Allele origin: germline.

NM_001430.5(EPAS1):c.2080G>A (p.Val694Met)

Gene: EPAS1 (endothelial PAS domain protein 1; plus strand). Cytogenetic location: 2p21.
Variant type: single nucleotide variant.
Coding change: c.2080G>A on transcript NM_001430.5 (MANE Select); coding-DNA position 2080, G replaced by A.
Protein change: p.Val694Met; replaces valine 694 with methionine.
Molecular consequence: missense variant.
Genome position (GRCh38, 1-based): chr2:46,381,630, G>A. VCF-style: chr2-46381630-G-A. GRCh37 (hg19) VCF-style: chr2-46608769-G-A.
Other names: c.2080G>A (NM_001430.4); short protein forms V694M.
Identifiers: ClinVar variation 3611402 (VCV003611402.3).